The following is an entry in ClinVar:

ClinVar aggregate classification (germline): Uncertain significance. Review status: criteria provided, multiple submitters, no conflicts (2 of 4 stars). 2 submissions from 2 submitters: Uncertain significance (2). Last evaluated 2025-04-11.

Conditions:
Fanconi anemia (FA). Also called: Fanconi's anemia. Identifiers: Orphanet 84, MedGen C0015625, MeSH D005199, MONDO:0019391.
Fanconi anemia complementation group I (FANCI). Also called: FANCI-Related Fanconi Anemia. Identifiers: Orphanet 84, MedGen C1836861, MONDO:0012186, OMIM 609053.

Submissions (2):

Labcorp Genetics (formerly Invitae), Labcorp
Classification: Uncertain significance for Fanconi anemia. Last evaluated: 2025-04-11. Review status: criteria provided, single submitter. Criteria: Invitae Variant Classification Sherloc (09022015). Collection method: clinical testing. Allele origin: germline.
Comment: This sequence change replaces glycine, which is neutral and non-polar, with aspartic acid, which is acidic and polar, at codon 269 of the FANCI protein (p.Gly269Asp). This variant is not present in population databases (gnomAD no frequency). This variant has not been reported in the literature in individuals affected with FANCI-related conditions. ClinVar contains an entry for this variant (Variation ID: 3577887). Invitae Evidence Modeling of protein sequence and biophysical properties (such as structural, functional, and spatial information, amino acid conservation, physicochemical variation, residue mobility, and thermodynamic stability) indicates that this missense variant is expected to disrupt FANCI protein function with a positive predictive value of 80%. In summary, the available evidence is currently insufficient to determine the role of this variant in disease. Therefore, it has been classified as a Variant of Uncertain Significance.

Fulgent Genetics
Classification: Uncertain significance for Fanconi anemia complementation group I. Last evaluated: 2024-05-04. Review status: criteria provided, single submitter. Criteria: ACMG Guidelines, 2015. Collection method: clinical testing. Allele origin: germline.

NM_001113378.2(FANCI):c.806G>A (p.Gly269Asp)

Gene: FANCI (FA complementation group I; plus strand). Cytogenetic location: 15q26.1.
Variant type: single nucleotide variant.
Coding change: c.806G>A on transcript NM_001113378.2 (MANE Select); coding-DNA position 806, G replaced by A.
Protein change: p.Gly269Asp; replaces glycine 269 with aspartic acid.
Molecular consequence: missense variant.
Genome position (GRCh38, 1-based): chr15:89,268,449, G>A. VCF-style: chr15-89268449-G-A. GRCh37 (hg19) VCF-style: chr15-89811680-G-A.
Other names: c.527G>A, p.Gly176Asp (NM_001376910.1); c.806G>A, p.Gly269Asp (NM_001376911.1, NM_018193.3); short protein forms G176D, G269D.
Identifiers: ClinVar variation 3577887 (VCV003577887.2).